The following is an entry in ClinVar:

ClinVar aggregate classification (germline): Uncertain significance (0 of 4 stars; one submission).

Conditions:
SEMA3D-related disorder. Also called: SEMA3D-related condition.

gnomAD v4.1: 18 of 1,555,158 alleles (0.0012%); highest among the groups gnomAD compares: Middle Eastern, 0.017%; no homozygotes.

Submission:

PreventionGenetics, part of Exact Sciences
Classification: Uncertain significance for SEMA3D-related condition. Last evaluated: 2024-04-03. Review status: no assertion criteria provided. Collection method: clinical testing. Allele origin: germline.
Comment: The SEMA3D c.823G>A variant is predicted to result in the amino acid substitution p.Asp275Asn. To our knowledge, this variant has not been reported in the literature. This variant is reported in 0.0068% of alleles in individuals of South Asian descent in gnomAD. At this time, the clinical significance of this variant is uncertain due to the absence of conclusive functional and genetic evidence.

NM_001384900.1(SEMA3D):c.823G>A (p.Asp275Asn)

Gene: SEMA3D (semaphorin 3D; minus strand). Cytogenetic location: 7q21.11.
Variant type: single nucleotide variant.
Coding change: c.823G>A on transcript NM_001384900.1 (MANE Select); coding-DNA position 823, G replaced by A.
Protein change: p.Asp275Asn; replaces aspartic acid 275 with asparagine.
Molecular consequence: missense variant.
Genome position (GRCh38, 1-based): chr7:85,055,755, C>T on the plus strand (G>A on the coding strand, the complement: SEMA3D is on the minus strand). VCF-style: chr7-85055755-C-T. GRCh37 (hg19) VCF-style: chr7-84685071-C-T.
Other names: c.823G>A, p.Asp275Asn (NM_001384901.1, NM_001384902.1, NM_001384903.1 and 1 more transcripts); short protein forms D275N.
Identifiers: ClinVar variation 3357637 (VCV003357637.1).